The following is an entry in ClinVar:

ClinVar aggregate classification (germline): Conflicting classifications of pathogenicity. Review status: criteria provided, conflicting classifications (1 of 4 stars). 2 submissions from 2 submitters: Likely pathogenic (1); Uncertain significance (1). Last evaluated 2025-06-02.

Conditions:
MYPN-related myopathy (CMYO24). Also called: Nemaline myopathy 11, autosomal recessive. Identifiers: MedGen C4479186, MONDO:0015023, OMIM 617336.

Submissions (2):

First Genomix Gene Laboratory, Genetic Diagnostics Department
Classification: Likely pathogenic for MYPN-related myopathy. Last evaluated: 2025-06-02. Review status: criteria provided, single submitter. Criteria: ACMG Guidelines, 2015. Collection method: clinical testing. Allele origin: germline. Inheritance: Autosomal recessive inheritance. Affected: no. Observed: 1 variant allele.

GeneDx
Classification: Uncertain significance. Last evaluated: 2016-12-07. Review status: criteria provided, single submitter. Criteria: GeneDx Variant Classification (06012015). Collection method: clinical testing. Allele origin: germline. Affected: yes.
Comment: Although the c.3073dupC variant in the MYPN gene has not been reported to our knowledge, this variant causes a shift in reading frame starting at codon glutamine 1025, changing it to a proline, and creating a premature stop codon at position 62 of the new reading frame, denoted p.Gln1025ProfsX62. This variant is expected to result in either an abnormal, truncated protein product or loss of protein from this allele through nonsense-mediated mRNA decay. The c.3073dupC variant was not observed in approximately 6500 individuals of European and African American ancestry in the NHLBI Exome Sequencing Project, indicating it is not a common benign variant in these populations. Nonetheless, only one other frameshift variants in the MYPN gene have been reported in HGMD in association with DCM (Stenson et al., 2014); haploinsufficiency is not a well-established disease mechanism for the MYPN gene.

NM_032578.4(MYPN):c.3073dup (p.Gln1025fs)

Genes: MYPN (myopalladin; plus strand), LOC132089829 (Neanderthal introgressed variant-containing enhancer experimental_16132; plus strand). Cytogenetic location: 10q21.3.
Variant type: Duplication.
Coding change: c.3073dup on transcript NM_032578.4 (MANE Select); coding-DNA position 3073, one base duplicated (C; older notation c.3073dupC).
Protein change: p.Gln1025fs; shifts the reading frame from glutamine 1025.
Molecular consequence: frameshift variant. On other transcripts: non-coding transcript variant (2).
Genome position (GRCh38, 1-based): chr10:68,194,510, C duplicated; the last of 5 consecutive C bases (chr10:68,194,506-68,194,510); duplicating any one gives the same sequence. VCF-style (leftmost placement, unchanged base first): chr10-68194505-A-AC. GRCh37 (hg19) VCF-style: chr10-69954262-A-AC.
Other names: c.3073dupC (NM_032578.3, NM_032578.4); c.3073dup, p.Gln1025fs (NM_001256267.2); c.2191dup, p.Gln731fs (NM_001256268.2); short protein forms Q731fs, Q1025fs.
Identifiers: ClinVar variation 373730 (VCV000373730.2), dbSNP rs897943764, ClinGen allele CA16042801.